The following is an entry in ClinVar:

ClinVar aggregate classification (germline): Conflicting classifications of pathogenicity. Review status: criteria provided, conflicting classifications (1 of 4 stars). 2 submissions from 2 submitters: Uncertain significance (1); Likely benign (1). Last evaluated 2025-08-14.

Conditions:
Inborn genetic diseases. Identifiers: MedGen C0950123, MeSH D030342.

Allele frequency attached by ClinVar (database versions not stated): gnomAD exomes 0.00001; TOPMed 0.00001; ExAC 0.00003; gnomAD 0.00006; 1000 Genomes Project 30x 0.00094; 1000 Genomes Project 0.00120.
gnomAD v4.1: 29 of 1,580,434 alleles (0.0018%); highest among the groups gnomAD compares: African/African-American, 0.034%; no homozygotes.

Submissions (2):

Ambry Genetics
Classification: Likely benign for Inborn genetic diseases. Last evaluated: 2025-08-14. Review status: criteria provided, single submitter. Criteria: Ambry Variant Classification Scheme 2023. Collection method: clinical testing. Allele origin: germline.

Labcorp Genetics (formerly Invitae), Labcorp
Classification: Uncertain significance. Last evaluated: 2024-12-16. Review status: criteria provided, single submitter. Criteria: Invitae Variant Classification Sherloc (09022015). Collection method: clinical testing. Allele origin: germline.
Comment: This sequence change replaces glycine, which is neutral and non-polar, with arginine, which is basic and polar, at codon 245 of the C7 protein (p.Gly245Arg). This variant is present in population databases (rs151097629, gnomAD 0.02%). This variant has not been reported in the literature in individuals affected with C7-related conditions. ClinVar contains an entry for this variant (Variation ID: 1409785). Invitae Evidence Modeling of protein sequence and biophysical properties (such as structural, functional, and spatial information, amino acid conservation, physicochemical variation, residue mobility, and thermodynamic stability) indicates that this missense variant is not expected to disrupt C7 protein function with a negative predictive value of 80%. In summary, the available evidence is currently insufficient to determine the role of this variant in disease. Therefore, it has been classified as a Variant of Uncertain Significance.

NM_000587.4(C7):c.733G>A (p.Gly245Arg)

Gene: C7 (complement C7; plus strand). Cytogenetic location: 5p13.1.
Variant type: single nucleotide variant.
Coding change: c.733G>A on transcript NM_000587.4 (MANE Select); coding-DNA position 733, G replaced by A.
Protein change: p.Gly245Arg; replaces glycine 245 with arginine.
Molecular consequence: missense variant.
Genome position (GRCh38, 1-based): chr5:40,945,363, G>A. VCF-style: chr5-40945363-G-A. GRCh37 (hg19) VCF-style: chr5-40945465-G-A.
Other names: c.733G>A (NM_000587.2); short protein forms G245R.
Identifiers: ClinVar variation 1409785 (VCV001409785.6), dbSNP rs151097629, ClinGen allele CA3249738.